The following is an entry in ClinVar:

ClinVar aggregate classification (germline): Uncertain significance (1 of 4 stars; one submission).

Conditions:
CACNA1G-related disorder. Also called: CACNA1G-related condition; CACNA1G-related disorders.

Allele frequency attached by ClinVar (database versions not stated): gnomAD exomes below 0.00001.
gnomAD v4.1: 5 of 1,568,944 alleles (0.00032%); highest among the groups gnomAD compares: Middle Eastern, 0.017%; no homozygotes.

Submission:

PreventionGenetics, part of Exact Sciences
Classification: Uncertain significance for CACNA1G-related condition. Last evaluated: 2023-05-30. Review status: criteria provided, single submitter. Criteria: ACMG Guidelines, 2015. Collection method: clinical testing. Allele origin: germline.
Comment: The CACNA1G c.1630G>A variant is predicted to result in the amino acid substitution p.Gly544Arg. To our knowledge, this variant has not been reported in the literature or in a large population database, indicating this variant is rare. At this time, the clinical significance of this variant is uncertain due to the absence of conclusive functional and genetic evidence.

NM_018896.5(CACNA1G):c.1630G>A (p.Gly544Arg)

Gene: CACNA1G (calcium voltage-gated channel subunit alpha1 G; plus strand). Cytogenetic location: 17q21.33.
Variant type: single nucleotide variant.
Coding change: c.1630G>A on transcript NM_018896.5 (MANE Select); coding-DNA position 1630, G replaced by A.
Protein change: p.Gly544Arg; replaces glycine 544 with arginine.
Molecular consequence: missense variant. On other transcripts: non-coding transcript variant (5).
Genome position (GRCh38, 1-based): chr17:50,576,032, G>A. VCF-style: chr17-50576032-G-A. GRCh37 (hg19) VCF-style: chr17-48653393-G-A.
Other names: c.1630G>A, p.Gly544Arg (NM_001256324.2, NM_001256325.2, NM_001256326.2 and 24 more transcripts); short protein forms G544R.
Identifiers: ClinVar variation 2631933 (VCV002631933.1), dbSNP rs2040565447, ClinGen allele CA400238183.